The following is an entry in ClinVar:

ClinVar aggregate classification (germline): Uncertain significance. Review status: criteria provided, multiple submitters, no conflicts (2 of 4 stars). 4 submissions from 3 submitters: Uncertain significance (2). 2 of the submissions do not count toward it. Last evaluated 2025-09-19.

Conditions:
Inborn genetic diseases. Identifiers: MedGen C0950123, MeSH D030342.

Allele frequency attached by ClinVar (database versions not stated): TOPMed below 0.00001; ExAC 0.00001; gnomAD exomes 0.00001.
gnomAD v4.1: 7 of 1,614,094 alleles (0.00043%); highest among the groups gnomAD compares: Admixed American, 0.0033%; no homozygotes.

Submissions (4):

GeneDx
Classification: Uncertain significance. Last evaluated: 2025-09-19. Review status: criteria provided, single submitter. Criteria: GeneDx Variant Classification Process June 2021. Collection method: clinical testing. Allele origin: germline.
Comment: In silico analysis supports that this missense variant has a deleterious effect on protein structure/function; In silico analysis suggests this variant may impact gene splicing. In the absence of RNA/functional studies, the actual effect of this sequence change is unknown.; Has not been previously published as pathogenic or benign to our knowledge

Ambry Genetics
Classification: Uncertain significance for Inborn genetic diseases. Last evaluated: 2024-12-05. Review status: criteria provided, single submitter. Criteria: Ambry Variant Classification Scheme 2023. Collection method: clinical testing. Allele origin: germline.

Richard Lifton Laboratory, Yale University School of Medicine
Classification: Uncertain significance. Review status: no assertion criteria provided. Collection method: not provided. Allele origin: somatic. Not counted in ClinVar's aggregate classification.
Comment: MYO3A:p.V949F
ClinVar note: Converted during submission from unknown to Uncertain significance.

Richard Lifton Laboratory, Yale University School of Medicine
Classification: Uncertain significance. Review status: flagged submission. Collection method: not provided. Allele origin: somatic. Not counted in ClinVar's aggregate classification.
ClinVar note: Converted during submission from unknown to Uncertain significance.
ClinVar note: Reason: This record appears to be redundant with a more recent record from the same submitter.
ClinVar note: Notes: SCV000120090 appears to be redundant with SCV000155194.

NM_017433.5(MYO3A):c.2845G>T (p.Val949Phe)

Gene: MYO3A (myosin IIIA; plus strand). Cytogenetic location: 10p12.1.
Variant type: single nucleotide variant.
Coding change: c.2845G>T on transcript NM_017433.5 (MANE Select); coding-DNA position 2845, G replaced by T.
Protein change: p.Val949Phe; replaces valine 949 with phenylalanine.
Molecular consequence: missense variant.
Genome position (GRCh38, 1-based): chr10:26,157,361, G>T. VCF-style: chr10-26157361-G-T. GRCh37 (hg19) VCF-style: chr10-26446290-G-T.
Other names: short protein forms V949F.
Identifiers: ClinVar variation 100865 (VCV000100865.7), dbSNP rs483352742, ClinGen allele CA229156.
Genomic context (GRCh38, chr10:26,157,361, plus strand): 5'-GTATTATAGTATTCCCTGATGGATTTGTTGTCTAAAATGGTGGTGGGCCAACCTCATTTT[G>T]TCCGTTGCATCAAACCAAATAGTGAGCGTCAGGCAAGAAAATATGACAAAGAGAAAGTTC-3'
Protein context (NP_059129.3, residues 939-959): SKMVVGQPHF[Val949Phe]RCIKPNSERQ